The following is an entry in ClinVar:

NM_001252024.2(TRPM1):c.2587T>G (p.Tyr863Asp)

Genes: TRPM1 (transient receptor potential cation channel subfamily M member 1; minus strand), TRPM1-AS1 (TRPM1 antisense RNA 1; plus strand). Cytogenetic location: 15q13.3.
Variant type: single nucleotide variant.
Coding change: c.2587T>G on transcript NM_001252024.2 (MANE Select); coding-DNA position 2587, T replaced by G.
Protein change: p.Tyr863Asp; replaces tyrosine 863 with aspartic acid.
Molecular consequence: missense variant.
Genome position (GRCh38, 1-based): chr15:31,035,659, A>C on the plus strand (T>G on the coding strand, the complement: TRPM1 is on the minus strand). VCF-style: chr15-31035659-A-C. GRCh37 (hg19) VCF-style: chr15-31327862-A-C.
Other names: c.2638T>G, p.Tyr880Asp (NM_001252020.2); c.2521T>G, p.Tyr841Asp (NM_002420.6); short protein forms Y863D, Y841D, Y880D.
Identifiers: ClinVar variation 956601 (VCV000956601.9), dbSNP rs2033333662, ClinGen allele CA391546872.

ClinVar aggregate classification (germline): Uncertain significance (1 of 4 stars; one submission).

Submission:

Labcorp Genetics (formerly Invitae), Labcorp
Classification: Uncertain significance. Last evaluated: 2019-09-30. Review status: criteria provided, single submitter. Criteria: Invitae Variant Classification Sherloc (09022015). Collection method: clinical testing. Allele origin: germline.
Comment: This sequence change replaces tyrosine with aspartic acid at codon 841 of the TRPM1 protein (p.Tyr841Asp). The tyrosine residue is highly conserved and there is a large physicochemical difference between tyrosine and aspartic acid. This variant is not present in population databases (ExAC no frequency). In summary, the available evidence is currently insufficient to determine the role of this variant in disease. Therefore, it has been classified as a Variant of Uncertain Significance. Algorithms developed to predict the effect of missense changes on protein structure and function are either unavailable or do not agree on the potential impact of this missense change (SIFT: "Deleterious"; PolyPhen-2: "Probably Damaging"; Align-GVGD: "Class C0"). This variant has not been reported in the literature in individuals with TRPM1-related conditions.